The following is an entry in ClinVar:

ClinVar aggregate classification (germline): Likely benign (1 of 4 stars; one submission).

Conditions:
COL12A1-related disorder. Also called: COL12A1-related condition.

Submission:

PreventionGenetics, part of Exact Sciences
Classification: Likely benign for COL12A1-related condition. Last evaluated: 2024-10-29. Review status: criteria provided, single submitter. Criteria: ACMG Guidelines, 2015. Collection method: clinical testing. Allele origin: germline.
Comment: This variant is classified as likely benign based on ACMG/AMP sequence variant interpretation guidelines (Richards et al. 2015 PMID: 25741868, with internal and published modifications).

NM_004370.6(COL12A1):c.6460+10T>A

Gene: COL12A1 (collagen type XII alpha 1 chain; minus strand). Cytogenetic location: 6q13.
Variant type: single nucleotide variant.
Coding change: c.6460+10T>A on transcript NM_004370.6 (MANE Select); 10 bases into the intron after coding-DNA position 6460, T replaced by A.
Molecular consequence: intron variant.
Genome position (GRCh38, 1-based): chr6:75,126,341, A>T on the plus strand (T>A on the coding strand, the complement: COL12A1 is on the minus strand). VCF-style: chr6-75126341-A-T. GRCh37 (hg19) VCF-style: chr6-75836057-A-T.
Other names: c.2968+10T>A (NM_001424116.1, NM_080645.3); c.6187+10T>A (NM_001424115.1); c.6439+10T>A (NM_001424114.1); c.6460+10T>A (NM_001424113.1).
Identifiers: ClinVar variation 4983071 (VCV004983071.1).